The following is an entry in ClinVar:

ClinVar aggregate classification (germline): Uncertain significance (1 of 4 stars; one submission).

Allele frequency attached by ClinVar (database versions not stated): gnomAD exomes below 0.00001; ExAC 0.00001; TOPMed 0.00001; gnomAD 0.00002.
gnomAD v4.1: 4 of 1,613,506 alleles (0.00025%); highest among the groups gnomAD compares: African/African-American, 0.0053%; no homozygotes.

Submission:

Labcorp Genetics (formerly Invitae), Labcorp
Classification: Uncertain significance. Last evaluated: 2022-08-03. Review status: criteria provided, single submitter. Criteria: Invitae Variant Classification Sherloc (09022015). Collection method: clinical testing. Allele origin: germline.
Comment: In summary, the available evidence is currently insufficient to determine the role of this variant in disease. Therefore, it has been classified as a Variant of Uncertain Significance. Algorithms developed to predict the effect of missense changes on protein structure and function output the following: SIFT: "Tolerated"; PolyPhen-2: "Benign"; Align-GVGD: "Class C0". The serine amino acid residue is found in multiple mammalian species, which suggests that this missense change does not adversely affect protein function. This variant has not been reported in the literature in individuals affected with A2ML1-related conditions. This variant is present in population databases (rs755469941, gnomAD 0.007%). This sequence change replaces threonine, which is neutral and polar, with serine, which is neutral and polar, at codon 1253 of the A2ML1 protein (p.Thr1253Ser).

NM_144670.6(A2ML1):c.3757A>T (p.Thr1253Ser)

Gene: A2ML1 (alpha-2-macroglobulin like 1; plus strand). Cytogenetic location: 12p13.31.
Variant type: single nucleotide variant.
Coding change: c.3757A>T on transcript NM_144670.6 (MANE Select); coding-DNA position 3757, A replaced by T.
Protein change: p.Thr1253Ser; replaces threonine 1253 with serine.
Molecular consequence: missense variant.
Genome position (GRCh38, 1-based): chr12:8,867,881, A>T. VCF-style: chr12-8867881-A-T. GRCh37 (hg19) VCF-style: chr12-9020477-A-T.
Other names: c.2284A>T, p.Thr762Ser (NM_001282424.3); short protein forms T1253S, T762S.
Identifiers: ClinVar variation 2169881 (VCV002169881.4), dbSNP rs755469941, ClinGen allele CA6436468.